The following is an entry in ClinVar:

NM_000051.4(ATM):c.974A>C (p.His325Pro)

Gene: ATM (ATM serine/threonine kinase; plus strand). Cytogenetic location: 11q22.3.
Variant type: single nucleotide variant.
Coding change: c.974A>C on transcript NM_000051.4 (MANE Select); coding-DNA position 974, A replaced by C.
Protein change: p.His325Pro; replaces histidine 325 with proline.
Molecular consequence: missense variant.
Genome position (GRCh38, 1-based): chr11:108,247,036, A>C. VCF-style: chr11-108247036-A-C. GRCh37 (hg19) VCF-style: chr11-108117763-A-C.
Other names: c.974A>C, p.His325Pro (NM_001351834.2); short protein forms H325P.
Identifiers: ClinVar variation 927294 (VCV000927294.10), dbSNP rs1565375244, ClinGen allele CA382531091.

ClinVar aggregate classification (germline): Uncertain significance. Review status: criteria provided, multiple submitters, no conflicts (2 of 4 stars). 2 submissions from 2 submitters: Uncertain significance (2). Last evaluated 2025-07-16.

Conditions:
Ataxia-telangiectasia syndrome (AT). Also called: Ataxia-telangiectasia, complementation group D; Cerebello-oculocutaneous telangiectasia; Immunodeficiency with ataxia telangiectasia; LOUIS-BAR SYNDROME; Ataxia-telangiectasia; AT, COMPLEMENTATION GROUP C. Identifiers: Orphanet 100, MedGen C0004135, MONDO:0008840, OMIM 208900.
Hereditary cancer-predisposing syndrome. Also called: Tumor predisposition; Hereditary neoplastic syndrome; Neoplastic Syndromes, Hereditary; Hereditary Cancer Syndrome. Identifiers: Orphanet 140162, MedGen C0027672, MeSH D009386, MONDO:0015356.

Submissions (2):

Labcorp Genetics (formerly Invitae), Labcorp
Classification: Uncertain significance for Ataxia-telangiectasia syndrome. Last evaluated: 2025-07-16. Review status: criteria provided, single submitter. Criteria: Invitae Variant Classification Sherloc (09022015). Collection method: clinical testing. Allele origin: germline.
Comment: This sequence change replaces histidine, which is basic and polar, with proline, which is neutral and non-polar, at codon 325 of the ATM protein (p.His325Pro). This variant is not present in population databases (gnomAD no frequency). This variant has not been reported in the literature in individuals affected with ATM-related conditions. ClinVar contains an entry for this variant (Variation ID: 927294). Invitae Evidence Modeling of protein sequence and biophysical properties (such as structural, functional, and spatial information, amino acid conservation, physicochemical variation, residue mobility, and thermodynamic stability) indicates that this missense variant is not expected to disrupt ATM protein function with a negative predictive value of 95%. In summary, the available evidence is currently insufficient to determine the role of this variant in disease. Therefore, it has been classified as a Variant of Uncertain Significance.

Color Diagnostics, LLC DBA Color Health
Classification: Uncertain significance for Hereditary cancer-predisposing syndrome. Last evaluated: 2023-12-04. Review status: criteria provided, single submitter. Criteria: ACMG Guidelines, 2015. Collection method: clinical testing. Allele origin: germline.
Comment: This missense variant replaces histidine with proline at codon 325 of the ATM protein. Computational prediction suggests that this variant may not impact protein structure and function (internally defined REVEL score threshold <= 0.5, PMID: 27666373). To our knowledge, functional studies have not been reported for this variant. This variant has not been reported in individuals affected with ATM-related disorders in the literature. This variant has not been identified in the general population by the Genome Aggregation Database (gnomAD). The available evidence is insufficient to determine the role of this variant in disease conclusively. Therefore, this variant is classified as a Variant of Uncertain Significance.